The following is an entry in ClinVar:

ClinVar aggregate classification (germline): Likely benign. Review status: criteria provided, multiple submitters, no conflicts (2 of 4 stars). 3 submissions from 3 submitters: Likely benign (3). Last evaluated 2026-01-07.

Conditions:
Andersen Tawil syndrome (LQT7). Also called: ANDERSEN CARDIODYSRHYTHMIC PERIODIC PARALYSIS; Potassium-sensitive periodic paralysis, ventricular ectopy, and dysmorphic features; LONG QT SYNDROME 7; PERIODIC PARALYSIS, POTASSIUM-SENSITIVE CARDIODYSRHYTHMIC TYPE; Andersen Syndrome. Identifiers: Orphanet 37553, MedGen C1563715, MONDO:0008222, OMIM 170390.
Short QT syndrome type 3. Identifiers: Orphanet 51083, MedGen C1865018, MONDO:0012314, OMIM 609622.
Cardiovascular phenotype. Identifiers: MedGen CN230736.

Allele frequency attached by ClinVar (database versions not stated): gnomAD exomes below 0.00001; TOPMed below 0.00001.
gnomAD v4.1: 6 of 1,614,140 alleles (0.00037%); highest among the groups gnomAD compares: African/African-American, 0.0027%; no homozygotes.

Submissions (3):

Labcorp Genetics (formerly Invitae), Labcorp
Classification: Likely benign for Short QT syndrome type 3; Andersen Tawil syndrome. Last evaluated: 2026-01-07. Review status: criteria provided, single submitter. Criteria: Invitae Variant Classification Sherloc (09022015). Collection method: clinical testing. Allele origin: germline.

Ambry Genetics
Classification: Likely benign for Cardiovascular phenotype. Last evaluated: 2020-06-17. Review status: criteria provided, single submitter. Criteria: Ambry Variant Classification Scheme 2023. Collection method: clinical testing. Allele origin: germline.

GeneDx
Classification: Likely benign. Last evaluated: 2017-04-05. Review status: criteria provided, single submitter. Criteria: GeneDx Variant Classification (06012015). Collection method: clinical testing. Allele origin: germline. Affected: yes.
Comment: This variant is considered likely benign or benign based on one or more of the following criteria: it is a conservative change, it occurs at a poorly conserved position in the protein, it is predicted to be benign by multiple in silico algorithms, and/or has population frequency not consistent with disease.

NM_000891.3(KCNJ2):c.33C>T (p.Ile11=)

Gene: KCNJ2 (potassium inwardly rectifying channel subfamily J member 2; plus strand). Cytogenetic location: 17q24.3.
Variant type: single nucleotide variant.
Coding change: c.33C>T on transcript NM_000891.3 (MANE Select); coding-DNA position 33, C replaced by T.
Protein change: p.Ile11=; no amino-acid change (isoleucine 11 retained).
Molecular consequence: synonymous variant.
Genome position (GRCh38, 1-based): chr17:70,175,072, C>T. VCF-style: chr17-70175072-C-T. GRCh37 (hg19) VCF-style: chr17-68171213-C-T.
Identifiers: ClinVar variation 506474 (VCV000506474.4), dbSNP rs1463813330, ClinGen allele CA501700110.